The following is an entry in ClinVar:

ClinVar aggregate classification (germline): Uncertain significance. Review status: criteria provided, multiple submitters, no conflicts (2 of 4 stars). 2 submissions from 2 submitters: Uncertain significance (2). Last evaluated 2025-10-21.

Submissions (2):

Ambry Genetics
Classification: Uncertain significance. Last evaluated: 2025-10-21. Review status: criteria provided, single submitter. Criteria: Ambry Variant Classification Scheme 2023. Collection method: clinical testing. Allele origin: germline.

Labcorp Genetics (formerly Invitae), Labcorp
Classification: Uncertain significance. Last evaluated: 2024-12-03. Review status: criteria provided, single submitter. Criteria: Invitae Variant Classification Sherloc (09022015). Collection method: clinical testing. Allele origin: germline.
Comment: This sequence change replaces leucine, which is neutral and non-polar, with valine, which is neutral and non-polar, at codon 122 of the KLF10 protein (p.Leu122Val). This variant is not present in population databases (gnomAD no frequency). This variant has not been reported in the literature in individuals affected with KLF10-related conditions. An algorithm developed to predict the effect of missense changes on protein structure and function (PolyPhen-2) suggests that this variant is likely to be tolerated. In summary, the available evidence is currently insufficient to determine the role of this variant in disease. Therefore, it has been classified as a Variant of Uncertain Significance.

NM_005655.4(KLF10):c.364C>G (p.Leu122Val)

Gene: KLF10 (KLF transcription factor 10; minus strand). Cytogenetic location: 8q22.3.
Variant type: single nucleotide variant.
Coding change: c.364C>G on transcript NM_005655.4 (MANE Select); coding-DNA position 364, C replaced by G.
Protein change: p.Leu122Val; replaces leucine 122 with valine.
Molecular consequence: missense variant.
Genome position (GRCh38, 1-based): chr8:102,651,968, G>C on the plus strand (C>G on the coding strand, the complement: KLF10 is on the minus strand). VCF-style: chr8-102651968-G-C. GRCh37 (hg19) VCF-style: chr8-103664196-G-C.
Other names: c.331C>G, p.Leu111Val (NM_001032282.4); c.364C>G (NM_005655.2); short protein forms L111V, L122V.
Identifiers: ClinVar variation 3670085 (VCV003670085.3).
Genomic context (GRCh38, chr8:102,651,968, plus strand): 5'-CTGGGCTCTTTTCTTCCTCTTTGAAAGGTGCGGCAATGTGAGGTTTGGCAGTATCTGAGA[G>C]TGACTTGAAGTGTACAGTAGATGGCGCTGGTGCCATCAGATTTGACACTTGAGAGGGTTC-3'
Protein context (NP_005646.1, residues 112-132): PAPSTVHFKS[Leu122Val]SDTAKPHIAA